The following is an entry in ClinVar:

NM_000336.3(SCNN1B):c.1694G>A (p.Arg565Gln)

Gene: SCNN1B (sodium channel epithelial 1 subunit beta; plus strand). Cytogenetic location: 16p12.2.
Variant type: single nucleotide variant.
Coding change: c.1694G>A on transcript NM_000336.3 (MANE Select); coding-DNA position 1694, G replaced by A.
Protein change: p.Arg565Gln; replaces arginine 565 with glutamine.
Molecular consequence: missense variant.
Genome position (GRCh38, 1-based): chr16:23,380,572, G>A. VCF-style: chr16-23380572-G-A. GRCh37 (hg19) VCF-style: chr16-23391893-G-A.
Other names: short protein forms R565Q.
Identifiers: ClinVar variation 884706 (VCV000884706.7), dbSNP rs13306627, ClinGen allele CA7960612.

ClinVar aggregate classification (germline): Conflicting classifications of pathogenicity. Review status: criteria provided, conflicting classifications (1 of 4 stars). 5 submissions from 3 submitters: Uncertain significance (2); Benign (2); Likely benign (1). Last evaluated 2024-03-16.

Conditions:
Bronchiectasis with or without elevated sweat chloride 1 (BESC1). Also called: Cystic Fibrosis-Like Syndrome. Identifiers: Orphanet 60033, MedGen C2749757, MONDO:0008887, OMIM 211400.
Pseudohypoaldosteronism, type IB1, autosomal recessive. Also called: Pseudohypoaldosteronism, Type I, Autosomal Recessive; Pseudohypoaldosteronism, Type I, Recessive; PHA I, AUTOSOMAL RECESSIVE; Autosomal recessive pseudohypoaldosteronism type 1. Identifiers: Orphanet 171876, Orphanet 756, MedGen C5774176, MONDO:0009917, OMIM 264350.
Liddle syndrome 1 (LIDLS1). Also called: PSEUDOALDOSTERONISM. Identifiers: Orphanet 526, MedGen CN031472, MONDO:0020607, OMIM 177200.

Allele frequency attached by ClinVar (database versions not stated): gnomAD 0.00018 and 0.00017; gnomAD exomes 0.00019 and 0.00027; ExAC 0.00045; ESP Exome Variant Server 0.00046; TOPMed 0.00015.
gnomAD v4.1: 312 of 1,614,042 alleles (0.019%); highest among the groups gnomAD compares: East Asian, 0.085%; no homozygotes.

Submissions (5):

Labcorp Genetics (formerly Invitae), Labcorp
Classification: Uncertain significance. Last evaluated: 2024-03-16. Review status: criteria provided, single submitter. Criteria: Invitae Variant Classification Sherloc (09022015). Collection method: clinical testing. Allele origin: germline.
Comment: This sequence change replaces arginine, which is basic and polar, with glutamine, which is neutral and polar, at codon 565 of the SCNN1B protein (p.Arg565Gln). This variant is present in population databases (rs13306627, gnomAD 0.08%). This variant has not been reported in the literature in individuals affected with SCNN1B-related conditions. ClinVar contains an entry for this variant (Variation ID: 884706). Advanced modeling of protein sequence and biophysical properties (such as structural, functional, and spatial information, amino acid conservation, physicochemical variation, residue mobility, and thermodynamic stability) performed at Invitae indicates that this missense variant is not expected to disrupt SCNN1B protein function with a negative predictive value of 80%. In summary, the available evidence is currently insufficient to determine the role of this variant in disease. Therefore, it has been classified as a Variant of Uncertain Significance.

Blueprint Genetics
Classification: Likely benign. Last evaluated: 2024-03-05. Review status: criteria provided, single submitter. Criteria: ACMG Guidelines, 2015. Collection method: clinical testing. Allele origin: germline.

Illumina Laboratory Services, Illumina
Classification: Uncertain significance for Pseudohypoaldosteronism, type IB1, autosomal recessive. Last evaluated: 2017-04-27. Review status: criteria provided, single submitter. Criteria: ICSL Variant Classification Criteria 13 December 2019. Collection method: clinical testing. Allele origin: germline.

Illumina Laboratory Services, Illumina
Classification: Benign for Bronchiectasis with or without elevated sweat chloride 1. Last evaluated: 2017-04-27. Review status: criteria provided, single submitter. Criteria: ICSL Variant Classification Criteria 13 December 2019. Collection method: clinical testing. Allele origin: germline.
Comment: This variant was observed as part of a predisposition screen in an ostensibly healthy population. A literature search was performed for the gene, cDNA change, and amino acid change (where applicable). No publications were found based on this search. Allele frequency data from public databases was too high to be consistent with this variant causing disease. Therefore, this variant is classified as benign.

Illumina Laboratory Services, Illumina
Classification: Benign for Liddle syndrome 1. Last evaluated: 2017-04-27. Review status: criteria provided, single submitter. Criteria: ICSL Variant Classification Criteria 13 December 2019. Collection method: clinical testing. Allele origin: germline.
Comment: the same text as in the submission from Illumina Laboratory Services, Illumina above.